The following is an entry in ClinVar:

NM_003403.5(YY1):c.323C>G (p.Thr108Arg)

Gene: YY1 (YY1 transcription factor; plus strand). Cytogenetic location: 14q32.2.
Variant type: single nucleotide variant.
Coding change: c.323C>G on transcript NM_003403.5 (MANE Select); coding-DNA position 323, C replaced by G.
Protein change: p.Thr108Arg; replaces threonine 108 with arginine.
Molecular consequence: missense variant.
Genome position (GRCh38, 1-based): chr14:100,239,567, C>G. VCF-style: chr14-100239567-C-G. GRCh37 (hg19) VCF-style: chr14-100705904-C-G.
Other names: short protein forms T108R.
Identifiers: ClinVar variation 3365614 (VCV003365614.1).
Genomic context (GRCh38, chr14:100,239,567, plus strand): 5'-CGCTGGTCACCGACGACCCGACCCAGGTGCACCACCACCAGGAGGTGATCCTGGTGCAGA[C>G]GCGCGAGGAGGTGGTGGGCGGCGACGACTCGGACGGGCTGCGCGCCGAGGACGGCTTCGA-3'
Protein context (NP_003394.1, residues 98-118): HHHQEVILVQ[Thr108Arg]REEVVGGDDS

ClinVar aggregate classification (germline): Uncertain significance (1 of 4 stars; one submission).

Submission:

GeneDx
Classification: Uncertain significance. Last evaluated: 2023-12-17. Review status: criteria provided, single submitter. Criteria: GeneDx Variant Classification Process June 2021. Collection method: clinical testing. Allele origin: germline. Affected: yes.
Comment: Not observed at significant frequency in large population cohorts (gnomAD); In silico analysis supports that this missense variant has a deleterious effect on protein structure/function; Has not been previously published as pathogenic or benign to our knowledge